The following is an entry in ClinVar:

NM_001201543.2(FAM161A):c.1543G>A (p.Val515Met)

Gene: FAM161A (FAM161 centrosomal protein A; minus strand). Cytogenetic location: 2p15.
Variant type: single nucleotide variant.
Coding change: c.1543G>A on transcript NM_001201543.2 (MANE Select); coding-DNA position 1543, G replaced by A.
Protein change: p.Val515Met; replaces valine 515 with methionine.
Molecular consequence: missense variant. On other transcripts: non-coding transcript variant (1).
Genome position (GRCh38, 1-based): chr2:61,839,461, C>T on the plus strand (G>A on the coding strand, the complement: FAM161A is on the minus strand). VCF-style: chr2-61839461-C-T. GRCh37 (hg19) VCF-style: chr2-62066596-C-T.
Other names: c.1543G>A, p.Val515Met (NM_032180.3); c.1543G>A (NM_001201543.1); short protein forms V515M.
Identifiers: ClinVar variation 2139695 (VCV002139695.3), dbSNP rs751120519, ClinGen allele CA1679130.

ClinVar aggregate classification (germline): Conflicting classifications of pathogenicity. Review status: criteria provided, conflicting classifications (1 of 4 stars). 2 submissions from 2 submitters: Uncertain significance (1); Likely benign (1). Last evaluated 2023-05-18.

Conditions:
Inborn genetic diseases. Identifiers: MedGen C0950123, MeSH D030342.

gnomAD v4.1: 35 of 1,614,116 alleles (0.0022%); highest among the groups gnomAD compares: South Asian, 0.014%; 1 homozygote.

Submissions (2):

Ambry Genetics
Classification: Likely benign for Inborn genetic diseases. Last evaluated: 2023-05-18. Review status: criteria provided, single submitter. Criteria: Ambry Variant Classification Scheme 2023. Collection method: clinical testing. Allele origin: germline.

Labcorp Genetics (formerly Invitae), Labcorp
Classification: Uncertain significance. Last evaluated: 2022-02-10. Review status: criteria provided, single submitter. Criteria: Invitae Variant Classification Sherloc (09022015). Collection method: clinical testing. Allele origin: germline.
Comment: This sequence change replaces valine, which is neutral and non-polar, with methionine, which is neutral and non-polar, at codon 515 of the FAM161A protein (p.Val515Met). This variant is present in population databases (rs751120519, gnomAD 0.02%). This variant has not been reported in the literature in individuals affected with FAM161A-related conditions. Algorithms developed to predict the effect of missense changes on protein structure and function output the following: SIFT: "Tolerated"; PolyPhen-2: "Benign"; Align-GVGD: "Class C0". The methionine amino acid residue is found in multiple mammalian species, which suggests that this missense change does not adversely affect protein function. In summary, the available evidence is currently insufficient to determine the role of this variant in disease. Therefore, it has been classified as a Variant of Uncertain Significance.